The following is an entry in ClinVar:

ClinVar aggregate classification (germline): Pathogenic (1 of 4 stars; one submission).

Conditions:
Androgen resistance syndrome (AIS). Also called: Androgen insensitivity, complete; DIHYDROTESTOSTERONE RECEPTOR DEFICIENCY; Androgen insensitivity syndrome due to coactivator deficiency; Androgen insensitivity; TESTICULAR FEMINIZATION SYNDROME; ANDROGEN RECEPTOR DEFICIENCY. Identifiers: Orphanet 754, Orphanet 99429, MedGen C0039585, MONDO:0019154, OMIM 300068. Disease mechanism: loss of function.
Kennedy disease (SMAX1). Also called: KENNEDY SPINAL AND BULBAR MUSCULAR ATROPHY; SPINAL AND BULBAR MUSCULAR ATROPHY, X-LINKED 1; Spinal and Bulbar Muscular Atrophy. Identifiers: Orphanet 481, MedGen C1839259, MONDO:0010735, OMIM 313200.

Submission:

Labcorp Genetics (formerly Invitae), Labcorp
Classification: Pathogenic for Kennedy disease; Androgen resistance syndrome. Last evaluated: 2018-02-23. Review status: criteria provided, single submitter. Criteria: Invitae Variant Classification Sherloc (09022015). Collection method: clinical testing. Allele origin: germline.
Comment: For these reasons, this variant has been classified as Pathogenic. This sequence change creates a premature translational stop signal (p.Gln91*) in the AR gene. It is expected to result in an absent or disrupted protein product. This variant is not present in population databases (ExAC no frequency). This variant has not been reported in the literature in individuals with AR-related disease. Loss-of-function variants in AR are known to be pathogenic (PMID: 19463997).

Literature cited by the submitters: PubMed 19463997.

NM_000044.6(AR):c.271C>T (p.Gln91Ter)

Genes: AR (androgen receptor; plus strand), LOC109504725 (androgen receptor repeat instability region; plus strand). Cytogenetic location: Xq12.
Variant type: single nucleotide variant.
Coding change: c.271C>T on transcript NM_000044.6 (MANE Select); coding-DNA position 271, C replaced by T.
Protein change: p.Gln91Ter; replaces glutamine 91 with a stop codon.
Molecular consequence: nonsense. On other transcripts: 5 prime UTR variant (1).
Genome position (GRCh38, 1-based): chrX:67,545,417, C>T. VCF-style: chrX-67545417-C-T. GRCh37 (hg19) VCF-style: chrX-66765259-C-T.
Other names: c.-1513C>T (NM_001011645.3); c.271C>T, p.Gln91Ter (NM_001348061.1, NM_001348063.1, NM_001348064.1); short protein forms Q91*.
Identifiers: ClinVar variation 575053 (VCV000575053.6), dbSNP rs112374098, ClinGen allele CA413424182.